The following is an entry in ClinVar:

NM_000138.5(FBN1):c.302C>T (p.Thr101Ile)

Gene: FBN1 (fibrillin 1; minus strand). Cytogenetic location: 15q21.1.
Variant type: single nucleotide variant.
Coding change: c.302C>T on transcript NM_000138.5 (MANE Select); coding-DNA position 302, C replaced by T.
Protein change: p.Thr101Ile; replaces threonine 101 with isoleucine.
Molecular consequence: missense variant.
Genome position (GRCh38, 1-based): chr15:48,610,772, G>A on the plus strand (C>T on the coding strand, the complement: FBN1 is on the minus strand). VCF-style: chr15-48610772-G-A. GRCh37 (hg19) VCF-style: chr15-48902969-G-A.
Other names: c.302C>T, p.Thr101Ile (NM_001406716.1, NM_001406717.1); short protein forms T101I.
Identifiers: ClinVar variation 2075634 (VCV002075634.5), dbSNP rs778655626, ClinGen allele CA049603.
Genomic context (GRCh38, chr15:48,610,772, plus strand): 5'-GACATGTTAGACTTACTGGATCTGGAGCCACAGGAAGGAGCTATCTGACCAGATGGGCAA[G>A]TGCACATATTTGGCCTCGAACAAAATCCATCCCCACAGGAATGCCGGCAAATGGCTGTGA-3'
Protein context (NP_000129.3, residues 91-111): DGFCSRPNMC[Thr101Ile]CPSGQIAPSC

ClinVar aggregate classification (germline): Uncertain significance. Review status: criteria provided, multiple submitters, no conflicts (2 of 4 stars). 3 submissions from 3 submitters: Uncertain significance (3). Last evaluated 2025-05-28.

Conditions:
Marfan syndrome (MFS). Also called: MARFAN SYNDROME, TYPE I; Marfan syndrome type 1; Marfan's syndrome; Marfan syndrome, classic; FBN1-Related Marfan Syndrome. Identifiers: Orphanet 284963, Orphanet 558, MedGen C0024796, MONDO:0007947, OMIM 154700.
Familial thoracic aortic aneurysm and aortic dissection (TAAD). Also called: Thoracic aortic aneurysms and dissections. Identifiers: Orphanet 91387, MedGen C4707243, MONDO:0019625.

Allele frequency attached by ClinVar (database versions not stated): gnomAD exomes below 0.00001; TOPMed 0.00001; gnomAD 0.00001; ExAC 0.00002.
gnomAD v4.1: 6 of 1,614,040 alleles (0.00037%); highest among the groups gnomAD compares: South Asian, 0.0011%; no homozygotes.

Submissions (3):

Color Diagnostics, LLC DBA Color Health
Classification: Uncertain significance for Familial thoracic aortic aneurysm and aortic dissection. Last evaluated: 2025-05-28. Review status: criteria provided, single submitter. Criteria: ACMG Guidelines, 2015. Collection method: clinical testing. Allele origin: germline.
Comment: This missense variant replaces threonine with isoleucine at codon 101 of the FBN1 protein. Computational prediction tool is inconclusive regarding the impact of this variant on protein structure and function. To our knowledge, functional studies have not been reported for this variant. This variant has been reported in an individual affected with dilated cardiomyopathy (PMID: 37904629). This variant has been identified in 2/251438 chromosomes in the general population by the Genome Aggregation Database (gnomAD). The available evidence is insufficient to determine the role of this variant in disease conclusively. Therefore, this variant is classified as a Variant of Uncertain Significance.

Labcorp Genetics (formerly Invitae), Labcorp
Classification: Uncertain significance for Marfan syndrome; Familial thoracic aortic aneurysm and aortic dissection. Last evaluated: 2024-10-28. Review status: criteria provided, single submitter. Criteria: Invitae Variant Classification Sherloc (09022015). Collection method: clinical testing. Allele origin: germline.
Comment: This sequence change replaces threonine, which is neutral and polar, with isoleucine, which is neutral and non-polar, at codon 101 of the FBN1 protein (p.Thr101Ile). This variant is present in population databases (rs778655626, gnomAD 0.003%). This variant has not been reported in the literature in individuals affected with FBN1-related conditions. ClinVar contains an entry for this variant (Variation ID: 2075634). Invitae Evidence Modeling of protein sequence and biophysical properties (such as structural, functional, and spatial information, amino acid conservation, physicochemical variation, residue mobility, and thermodynamic stability) indicates that this missense variant is expected to disrupt FBN1 protein function with a positive predictive value of 95%. In summary, the available evidence is currently insufficient to determine the role of this variant in disease. Therefore, it has been classified as a Variant of Uncertain Significance.

All of Us Research Program, National Institutes of Health
Classification: Uncertain significance for Marfan syndrome. Last evaluated: 2023-08-15. Review status: criteria provided, single submitter. Criteria: ACMG Guidelines, 2015. Collection method: clinical testing. Allele origin: germline. Inheritance: Autosomal dominant inheritance. Observed: 1 variant allele, 1 heterozygote.
Comment: This study involves interpretation of variants in research participants for the purpose of population health screening. Participant phenotype was not available at the time of variant classification. Additional details can be found in publication PMID: 35346344, PMCID: PMC8962531

Literature cited by the submitters: PubMed 37904629 (cited by Color Diagnostics, LLC DBA Color Health).